The following is an entry in ClinVar:

NM_002591.4(PCK1):c.1083C>T (p.Ala361=)

Gene: PCK1 (phosphoenolpyruvate carboxykinase 1; plus strand). Cytogenetic location: 20q13.31.
Variant type: single nucleotide variant.
Coding change: c.1083C>T on transcript NM_002591.4 (MANE Select); coding-DNA position 1083, C replaced by T.
Protein change: p.Ala361=; no amino-acid change (alanine 361 retained).
Molecular consequence: synonymous variant.
Genome position (GRCh38, 1-based): chr20:57,564,290, C>T. VCF-style: chr20-57564290-C-T. GRCh37 (hg19) VCF-style: chr20-56139346-C-T.
Other names: c.1083C>T (NM_002591.3).
Identifiers: ClinVar variation 2905290 (VCV002905290.5), dbSNP rs534949125, ClinGen allele CA9922260.

ClinVar aggregate classification (germline): Likely benign. Review status: criteria provided, single submitter (1 of 4 stars). 2 submissions from 2 submitters: Likely benign (1). 1 of the submissions does not count toward it. Last evaluated 2023-06-16.

Conditions:
PCK1-related disorder. Also called: PCK1-related condition.

Allele frequency attached by ClinVar (database versions not stated): gnomAD 0.00001; ExAC 0.00002; TOPMed 0.00002; gnomAD exomes 0.00004.
gnomAD v4.1: 61 of 1,613,910 alleles (0.0038%); highest among the groups gnomAD compares: Middle Eastern, 0.016%; no homozygotes.

Submissions (2):

Labcorp Genetics (formerly Invitae), Labcorp
Classification: Likely benign. Last evaluated: 2023-06-16. Review status: criteria provided, single submitter. Criteria: Invitae Variant Classification Sherloc (09022015). Collection method: clinical testing. Allele origin: germline.

PreventionGenetics, part of Exact Sciences
Classification: Likely benign for PCK1-related condition. Last evaluated: 2022-05-05. Review status: no assertion criteria provided. Collection method: clinical testing. Allele origin: germline. Not counted in ClinVar's aggregate classification.
Comment: This variant is classified as likely benign based on ACMG/AMP sequence variant interpretation guidelines (Richards et al. 2015 PMID: 25741868, with internal and published modifications).